The following is an entry in ClinVar:

ClinVar aggregate classification (germline): Uncertain significance (1 of 4 stars; one submission).

Allele frequency attached by ClinVar (database versions not stated): ESP Exome Variant Server 0.00038; TOPMed 0.00038; gnomAD 0.00047 and 0.00049; gnomAD exomes 0.00048 and 0.00065; ExAC 0.00059.
gnomAD v4.1: 1,012 of 1,613,698 alleles (0.063%); highest among the groups gnomAD compares: Non-Finnish European, 0.08%; no homozygotes.

Submission:

Labcorp Genetics (formerly Invitae), Labcorp
Classification: Uncertain significance. Last evaluated: 2024-11-11. Review status: criteria provided, single submitter. Criteria: Invitae Variant Classification Sherloc (09022015). Collection method: clinical testing. Allele origin: germline.
Comment: This sequence change replaces alanine, which is neutral and non-polar, with valine, which is neutral and non-polar, at codon 37 of the TMEM199 protein (p.Ala37Val). This variant is present in population databases (rs141432903, gnomAD 0.1%), and has an allele count higher than expected for a pathogenic variant. This variant has not been reported in the literature in individuals affected with TMEM199-related conditions. ClinVar contains an entry for this variant (Variation ID: 1346522). An algorithm developed to predict the effect of missense changes on protein structure and function outputs the following: PolyPhen-2: "Benign". The valine amino acid residue is found in multiple mammalian species, which suggests that this missense change does not adversely affect protein function. In summary, the available evidence is currently insufficient to determine the role of this variant in disease. Therefore, it has been classified as a Variant of Uncertain Significance.

NM_152464.3(VMA12):c.110C>T (p.Ala37Val)

Gene: VMA12 (vacuolar ATPase assembly factor VMA12; plus strand). Cytogenetic location: 17q11.2.
Variant type: single nucleotide variant.
Coding change: c.110C>T on transcript NM_152464.3 (MANE Select); coding-DNA position 110, C replaced by T.
Protein change: p.Ala37Val; replaces alanine 37 with valine.
Molecular consequence: missense variant.
Genome position (GRCh38, 1-based): chr17:28,357,780, C>T. VCF-style: chr17-28357780-C-T. GRCh37 (hg19) VCF-style: chr17-26684803-C-T.
Other names: short protein forms A37V.
Identifiers: ClinVar variation 1346522 (VCV001346522.5), dbSNP rs141432903, ClinGen allele CA8456941.